The following is an entry in ClinVar:

NM_000059.4(BRCA2):c.4163C>A (p.Thr1388Asn)

Gene: BRCA2 (BRCA2 DNA repair associated; plus strand). Cytogenetic location: 13q13.1.
Variant type: single nucleotide variant.
Coding change: c.4163C>A on transcript NM_000059.4 (MANE Select); coding-DNA position 4163, C replaced by A.
Protein change: p.Thr1388Asn; replaces threonine 1388 with asparagine.
Molecular consequence: missense variant.
Genome position (GRCh38, 1-based): chr13:32,338,518, C>A. VCF-style: chr13-32338518-C-A. GRCh37 (hg19) VCF-style: chr13-32912655-C-A.
Other names: short protein forms T1388N.
Identifiers: ClinVar variation 51607 (VCV000051607.4), dbSNP rs28897725, ClinGen allele CA019646.

ClinVar aggregate classification (germline): Likely benign. Review status: criteria provided, single submitter (1 of 4 stars). 2 submissions from 2 submitters: Likely benign (1). 1 of the submissions does not count toward it. Last evaluated 2023-03-23.

Conditions:
Hereditary cancer-predisposing syndrome. Also called: Neoplastic Syndromes, Hereditary; Tumor predisposition; Hereditary Cancer Syndrome; Hereditary neoplastic syndrome. Identifiers: Orphanet 140162, MedGen C0027672, MeSH D009386, MONDO:0015356.
Breast-ovarian cancer, familial, susceptibility to, 2 (BROVCA2). Also called: BRCA2 Hereditary Breast and Ovarian Cancer. Identifiers: Orphanet 145, MedGen C2675520, MONDO:0012933, OMIM 612555. Disease mechanism: loss of function.

Allele frequency attached by ClinVar (database versions not stated): ExAC 0.00001; 1000 Genomes Project 30x 0.00016; 1000 Genomes Project 0.00020.

Submissions (2):

University of Washington Department of Laboratory Medicine, University of Washington
Classification: Likely benign for Hereditary cancer-predisposing syndrome. Last evaluated: 2023-03-23. Review status: criteria provided, single submitter. Criteria: Dines et al. (Genet Med. 2020). Collection method: curation. Allele origin: germline.
Comment: Missense variant in a coldspot region where missense variants are very unlikely to be pathogenic (PMID:31911673).

BRCA2 exon 11 coldspot. Reclassification based on statistical prior probability.

Breast Cancer Information Core (BIC) (BRCA2)
Classification: Uncertain significance for Breast-ovarian cancer, familial 2. Last evaluated: 2002-05-29. Review status: no assertion criteria provided. Collection method: clinical testing. Allele origin: germline. Affected: yes. Observed: 2 variant alleles. Not counted in ClinVar's aggregate classification.